The following is an entry in ClinVar:

NM_024996.7(GFM1):c.960A>C (p.Pro320=)

Gene: GFM1 (G elongation factor mitochondrial 1; plus strand). Cytogenetic location: 3q25.32.
Variant type: single nucleotide variant.
Coding change: c.960A>C on transcript NM_024996.7 (MANE Select); coding-DNA position 960, A replaced by C.
Protein change: p.Pro320=; no amino-acid change (proline 320 retained).
Molecular consequence: synonymous variant. On other transcripts: non-coding transcript variant (4).
Genome position (GRCh38, 1-based): chr3:158,653,429, A>C. VCF-style: chr3-158653429-A-C. GRCh37 (hg19) VCF-style: chr3-158371218-A-C.
Other names: p.P320P:CCA>CCC; c.1017A>C, p.Pro339= (NM_001308164.2, NM_001374355.1); c.960A>C, p.Pro320= (NM_001308166.2); c.843A>C, p.Pro281= (NM_001374356.1); c.735A>C, p.Pro245= (NM_001374357.1); c.501A>C, p.Pro167= (NM_001374358.1); c.393A>C, p.Pro131= (NM_001374359.1, NM_001374360.1); c.276A>C, p.Pro92= (NM_001374361.1); and 1 more.
Identifiers: ClinVar variation 214485 (VCV000214485.24), dbSNP rs145970222, ClinGen allele CA320120.

ClinVar aggregate classification (germline): Benign/Likely benign. Review status: criteria provided, multiple submitters, no conflicts (2 of 4 stars). 7 submissions from 7 submitters: Benign (2); Likely benign (3). 2 of the submissions do not count toward it. Last evaluated 2026-01-19.

Conditions:
GFM1-related disorder. Also called: GFM1-related condition.
Hepatoencephalopathy due to combined oxidative phosphorylation defect type 1. Also called: HEPATOENCEPHALOPATHY, EARLY FATAL PROGRESSIVE. Identifiers: Orphanet 137681, MedGen C1836797, MONDO:0012191, OMIM 609060.

Allele frequency attached by ClinVar (database versions not stated): gnomAD exomes 0.00016 and 0.00046; ExAC 0.00060; gnomAD 0.00186 and 0.00196; TOPMed 0.00200; ESP Exome Variant Server 0.00223; 1000 Genomes Project 0.00280; 1000 Genomes Project 30x 0.00281.
gnomAD v4.1: 535 of 1,613,466 alleles (0.033%); highest among the groups gnomAD compares: African/African-American, 0.6%; 2 homozygotes.

Submissions (7):

Labcorp Genetics (formerly Invitae), Labcorp
Classification: Benign. Last evaluated: 2026-01-19. Review status: criteria provided, single submitter. Criteria: Invitae Variant Classification Sherloc (09022015). Collection method: clinical testing. Allele origin: germline.

CeGaT Center for Human Genetics Tuebingen
Classification: Likely benign. Last evaluated: 2025-10-01. Review status: criteria provided, single submitter. Criteria: CeGaT Center For Human Genetics Tuebingen Variant Classification Criteria Version 2. Collection method: clinical testing. Allele origin: germline. Affected: yes. Observed: 1 variant allele.
Comment: GFM1: BP4, BP7

Blueprint Genetics
Classification: Likely benign. Last evaluated: 2024-10-14. Review status: criteria provided, single submitter. Criteria: ACMG Guidelines, 2015. Collection method: clinical testing. Allele origin: germline.

Illumina Laboratory Services, Illumina
Classification: Likely benign for Hepatoencephalopathy due to combined oxidative phosphorylation defect type 1. Last evaluated: 2018-01-13. Review status: criteria provided, single submitter. Criteria: ICSL Variant Classification Criteria 13 December 2019. Collection method: clinical testing. Allele origin: germline.
Comment: This variant was observed in the ICSL laboratory as part of a predisposition screen in an ostensibly healthy population. It had not been previously curated by ICSL or reported in the Human Gene Mutation Database (HGMD: prior to June 1st, 2018), and was therefore a candidate for classification through an automated scoring system. Utilizing variant allele frequency, disease prevalence and penetrance estimates, and inheritance mode, an automated score was calculated to assess if this variant is too frequent to cause the disease. Based on the score and internal cut-off values, a variant classified as likely benign is not then subjected to further curation. The score for this variant resulted in a classification of likely benign for this disease.

GeneDx
Classification: Benign. Last evaluated: 2014-07-03. Review status: criteria provided, single submitter. Criteria: GeneDx Variant Classification (06012015). Collection method: clinical testing. Allele origin: germline. Affected: yes.
Comment: This variant is considered likely benign or benign based on one or more of the following criteria: it is a conservative change, it occurs at a poorly conserved position in the protein, it is predicted to be benign by multiple in silico algorithms, and/or has population frequency not consistent with disease.

PreventionGenetics, part of Exact Sciences
Classification: Benign for GFM1-related condition. Last evaluated: 2024-04-16. Review status: no assertion criteria provided. Collection method: clinical testing. Allele origin: germline. Not counted in ClinVar's aggregate classification.
Comment: This variant is classified as benign based on ACMG/AMP sequence variant interpretation guidelines (Richards et al. 2015 PMID: 25741868, with internal and published modifications).

Natera, Inc.
Classification: Uncertain significance for Combined oxidative phosphorylation deficiency 1. Last evaluated: 2019-11-11. Review status: no assertion criteria provided. Collection method: clinical testing. Allele origin: germline. Not counted in ClinVar's aggregate classification.